The following is an entry in ClinVar:

ClinVar aggregate classification (germline): Conflicting classifications of pathogenicity. Review status: criteria provided, conflicting classifications (1 of 4 stars). 3 submissions from 3 submitters: Uncertain significance (1); Benign (1); Likely benign (1). Last evaluated 2025-02-16.

Conditions:
Inborn genetic diseases. Identifiers: MedGen C0950123, MeSH D030342.

Allele frequency attached by ClinVar (database versions not stated): gnomAD exomes 0.00002; gnomAD 0.00015; 1000 Genomes Project 0.00140.
gnomAD v4.1: 9 of 448,400 alleles (0.002%); highest among the groups gnomAD compares: African/African-American, 0.067%; 1 homozygote.

Submissions (3):

Laboratory of Genetics, Children's Clinical University Hospital Latvia
Classification: Likely benign. Last evaluated: 2025-02-16. Review status: criteria provided, single submitter. Criteria: ACMG Guidelines, 2015. Collection method: clinical testing. Allele origin: germline. Affected: yes.

Ambry Genetics
Classification: Uncertain significance for Inborn genetic diseases. Last evaluated: 2024-04-29. Review status: criteria provided, single submitter. Criteria: Ambry Variant Classification Scheme 2023. Collection method: clinical testing. Allele origin: germline.

CeGaT Center for Human Genetics Tuebingen
Classification: Benign. Last evaluated: 2024-02-01. Review status: criteria provided, single submitter. Criteria: CeGaT Center For Human Genetics Tuebingen Variant Classification Criteria Version 2. Collection method: clinical testing. Allele origin: germline. Affected: yes. Observed: 2 variant alleles.
Comment: DSPP: BP4, BS1, BS2

NM_014208.3(DSPP):c.3301G>A (p.Asp1101Asn)

Genes: DMP1-AS1 (DMP1 and DSPP antisense RNA 1; minus strand), DSPP (dentin sialophosphoprotein; plus strand). Cytogenetic location: 4q22.1.
Variant type: single nucleotide variant.
Coding change: c.3301G>A on transcript NM_014208.3 (MANE Select); coding-DNA position 3301, G replaced by A.
Protein change: p.Asp1101Asn; replaces aspartic acid 1101 with asparagine.
Molecular consequence: missense variant.
Genome position (GRCh38, 1-based): chr4:87,615,963, G>A. VCF-style: chr4-87615963-G-A. GRCh37 (hg19) VCF-style: chr4-88537115-G-A.
Other names: short protein forms D1101N.
Identifiers: ClinVar variation 2654907 (VCV002654907.26), dbSNP rs201186956, ClinGen allele CA100856475.
Genomic context (GRCh38, chr4:87,615,963, plus strand): 5'-AGCAGTGAAAGCAGTGATAGCAGTGACAGCAGCAATAGCAGTGACAGCAGCGATAGCAGC[G>A]ACAGCAGCGACAGCAGCGATAGCAGTGACAGCAGCGATAGCAGTGACAGCAGTGACAGCA-3'
Protein context (NP_055023.2, residues 1091-1111): SNSSDSSDSS[Asp1101Asn]SSDSSDSSDS